The following is an entry in ClinVar:

ClinVar aggregate classification (germline): Likely benign. Review status: criteria provided, single submitter (1 of 4 stars). 2 submissions from 2 submitters: Likely benign (1). 1 of the submissions does not count toward it. Last evaluated 2024-01-15.

Conditions:
FANCB-related disorder. Also called: FANCB-related condition.
Fanconi anemia (FA). Also called: Fanconi's anemia. Identifiers: Orphanet 84, MedGen C0015625, MeSH D005199, MONDO:0019391.

Allele frequency attached by ClinVar (database versions not stated): gnomAD exomes below 0.00001; gnomAD 0.00001.
gnomAD v4.1: 6 of 1,207,836 alleles (0.0005%); highest among the groups gnomAD compares: African/African-American, 0.0017%; no homozygotes.

Submissions (2):

Labcorp Genetics (formerly Invitae), Labcorp
Classification: Likely benign for Fanconi anemia. Last evaluated: 2024-01-15. Review status: criteria provided, single submitter. Criteria: Invitae Variant Classification Sherloc (09022015). Collection method: clinical testing. Allele origin: germline.

PreventionGenetics, part of Exact Sciences
Classification: Likely benign for FANCB-related condition. Last evaluated: 2019-02-21. Review status: no assertion criteria provided. Collection method: clinical testing. Allele origin: germline. Not counted in ClinVar's aggregate classification.
Comment: This variant is classified as likely benign based on ACMG/AMP sequence variant interpretation guidelines (Richards et al. 2015 PMID: 25741868, with internal and published modifications).

NM_001018113.3(FANCB):c.2091G>A (p.Pro697=)

Gene: FANCB (FA complementation group B; minus strand). Cytogenetic location: Xp22.2.
Variant type: single nucleotide variant.
Coding change: c.2091G>A on transcript NM_001018113.3 (MANE Select); coding-DNA position 2091, G replaced by A.
Protein change: p.Pro697=; no amino-acid change (proline 697 retained).
Molecular consequence: synonymous variant.
Genome position (GRCh38, 1-based): chrX:14,844,577, C>T on the plus strand (G>A on the coding strand, the complement: FANCB is on the minus strand). VCF-style: chrX-14844577-C-T. GRCh37 (hg19) VCF-style: chrX-14862699-C-T.
Other names: c.2091G>A (NM_001018113.2); c.2091G>A, p.Pro697= (NM_001324162.2, NM_001410764.1, NM_152633.4).
Identifiers: ClinVar variation 2722059 (VCV002722059.5), dbSNP rs540569670, ClinGen allele CA327057823.